The following is an entry in ClinVar:

NM_001105206.3(LAMA4):c.815-2A>C

Gene: LAMA4 (laminin subunit alpha 4; minus strand). Cytogenetic location: 6q21.
Variant type: single nucleotide variant.
Coding change: c.815-2A>C on transcript NM_001105206.3 (MANE Select); the canonical splice acceptor site of the intron before coding-DNA position 815, A replaced by C.
Molecular consequence: splice acceptor variant.
Genome position (GRCh38, 1-based): chr6:112,187,603, T>G on the plus strand (A>C on the coding strand, the complement: LAMA4 is on the minus strand). VCF-style: chr6-112187603-T-G. GRCh37 (hg19) VCF-style: chr6-112508805-T-G.
Other names: c.794-2A>C (NM_002290.5, NM_001105207.3).
Identifiers: ClinVar variation 2882991 (VCV002882991.3), dbSNP rs782687805, ClinGen allele CA3966017.

ClinVar aggregate classification (germline): Uncertain significance (1 of 4 stars; one submission).

Conditions:
Dilated cardiomyopathy 1JJ (CMD1JJ). Identifiers: Orphanet 154, MedGen C3808935, MONDO:0014095, OMIM 615235.

Allele frequency attached by ClinVar (database versions not stated): ExAC 0.00004.
gnomAD v4.1: 8 of 1,613,566 alleles (0.0005%); highest among the groups gnomAD compares: East Asian, 0.018%; no homozygotes.

Submission:

Labcorp Genetics (formerly Invitae), Labcorp
Classification: Uncertain significance for Dilated cardiomyopathy 1JJ. Last evaluated: 2023-04-07. Review status: criteria provided, single submitter. Criteria: Invitae Variant Classification Sherloc (09022015). Collection method: clinical testing. Allele origin: germline.
Comment: In summary, the available evidence is currently insufficient to determine the role of this variant in disease. Therefore, it has been classified as a Variant of Uncertain Significance. Algorithms developed to predict the effect of sequence changes on RNA splicing suggest that this variant may disrupt the consensus splice site. This variant has not been reported in the literature in individuals affected with LAMA4-related conditions. This variant is present in population databases (rs782687805, gnomAD 0.05%), and has an allele count higher than expected for a pathogenic variant. This sequence change affects an acceptor splice site in intron 7 of the LAMA4 gene. It is expected to disrupt RNA splicing. Variants that disrupt the donor or acceptor splice site typically lead to a loss of protein function (PMID: 16199547), however the current clinical and genetic evidence is not sufficient to establish whether loss-of-function variants in LAMA4 cause disease.

Literature cited by the submitters: PubMed 16199547.